The following is an entry in ClinVar:

NM_002473.6(MYH9):c.*13G>A

Gene: MYH9 (myosin heavy chain 9; minus strand). Cytogenetic location: 22q12.3.
Variant type: single nucleotide variant.
Coding change: c.*13G>A on transcript NM_002473.6 (MANE Select); 13 bases downstream of the stop codon, G replaced by A.
Molecular consequence: 3 prime UTR variant.
Genome position (GRCh38, 1-based): chr22:36,282,655, C>T on the plus strand (G>A on the coding strand, the complement: MYH9 is on the minus strand). VCF-style: chr22-36282655-C-T. GRCh37 (hg19) VCF-style: chr22-36678701-C-T.
Identifiers: ClinVar variation 900752 (VCV000900752.4), dbSNP rs750071451, ClinGen allele CA10208878.

ClinVar aggregate classification (germline): Conflicting classifications of pathogenicity. Review status: criteria provided, conflicting classifications (1 of 4 stars). 2 submissions from 1 submitter: Uncertain significance (1); Benign (1). Last evaluated 2018-01-12.

Conditions:
MYH9-related disorder. Identifiers: MedGen C1854520.
Autosomal dominant nonsyndromic hearing loss 17. Also called: Autosomal dominant nonsyndromic deafness 17; Deafness, autosomal dominant 17. Identifiers: Orphanet 90635, MedGen C1863659, MONDO:0011350, OMIM 603622.

Allele frequency attached by ClinVar (database versions not stated): TOPMed below 0.00001; gnomAD 0.00001; gnomAD exomes 0.00001 and 0.00004; ExAC 0.00007.
gnomAD v4.1: 16 of 1,611,688 alleles (0.00099%); highest among the groups gnomAD compares: Admixed American, 0.0033%; no homozygotes.

Submissions (2):

Illumina Laboratory Services, Illumina
Classification: Benign for MYH9-related disorder. Last evaluated: 2018-01-12. Review status: criteria provided, single submitter. Criteria: ICSL Variant Classification Criteria 13 December 2019. Collection method: clinical testing. Allele origin: germline.
Comment: This variant was observed in the ICSL laboratory as part of a predisposition screen in an ostensibly healthy population. It had not been previously curated by ICSL or reported in the Human Gene Mutation Database (HGMD: prior to June 1st, 2018), and was therefore a candidate for classification through an automated scoring system. Utilizing variant allele frequency, disease prevalence and penetrance estimates, and inheritance mode, an automated score was calculated to assess if this variant is too frequent to cause the disease. Based on the score and internal cut-off values, a variant classified as benign is not then subjected to further curation. The score for this variant resulted in a classification of benign for this disease.

Illumina Laboratory Services, Illumina
Classification: Uncertain significance for Autosomal dominant nonsyndromic hearing loss 17. Last evaluated: 2018-01-12. Review status: criteria provided, single submitter. Criteria: ICSL Variant Classification Criteria 13 December 2019. Collection method: clinical testing. Allele origin: germline.